The following is an entry in ClinVar:

NM_001276270.2(MBD4):c.1597A>C (p.Lys533Gln)

Gene: MBD4 (methyl-CpG binding domain 4, DNA glycosylase; minus strand). Cytogenetic location: 3q21.3.
Variant type: single nucleotide variant.
Coding change: c.1597A>C on transcript NM_001276270.2 (MANE Select); coding-DNA position 1597, A replaced by C.
Protein change: p.Lys533Gln; replaces lysine 533 with glutamine.
Molecular consequence: missense variant. On other transcripts: intron variant (1).
Genome position (GRCh38, 1-based): chr3:129,432,553, T>G on the plus strand (A>C on the coding strand, the complement: MBD4 is on the minus strand). VCF-style: chr3-129432553-T-G. GRCh37 (hg19) VCF-style: chr3-129151396-T-G.
Other names: c.1615A>C, p.Lys539Gln (NM_001276271.2, NM_003925.3); c.661A>C, p.Lys221Gln (NM_001276273.2); c.1612+3A>C (NM_001276272.2); short protein forms K221Q, K533Q, K539Q.
Identifiers: ClinVar variation 4825710 (VCV004825710.1).
Genomic context (GRCh38, chr3:129,432,553, plus strand): 5'-TGAGCCTCACCTGCTTCCACTCATTGACACAAAAAATTCGGTAAGAGTCGTTGCCATATT[T>G]ACCAATCCCATGAAGCTCAATTGGATACTTCCACTGCTTTGTCAGGTATTCATCTGAAGA-3'
Protein context (NP_001263199.1, residues 523-543): KYPIELHGIG[Lys533Gln]YGNDSYRIFC

ClinVar aggregate classification (germline): Uncertain significance (1 of 4 stars; one submission).

Conditions:
Inborn genetic diseases. Identifiers: MedGen C0950123, MeSH D030342.

Submission:

Ambry Genetics
Classification: Uncertain significance for Inborn genetic diseases. Last evaluated: 2026-02-12. Review status: criteria provided, single submitter. Criteria: Ambry Variant Classification Scheme 2023. Collection method: clinical testing. Allele origin: germline.
Comment: The p.K533Q variant (also known as c.1597A>C), located in coding exon 7 of the MBD4 gene, results from an A to C substitution at nucleotide position 1597. The lysine at codon 533 is replaced by glutamine, an amino acid with similar properties. This amino acid position is highly conserved in available vertebrate species. In addition, the in silico prediction for this alteration is inconclusive. Based on the available evidence, the clinical significance of this variant remains unclear.